The following is an entry in ClinVar:

NM_018406.7(MUC4):c.12053C>A (p.Pro4018His)

Genes: MUC4 (mucin 4, cell surface associated), LOC126806930 (BRD4-independent group 4 enhancer GRCh37_chr3:195505212-195506411). Cytogenetic location: 3q29.
Variant type: single nucleotide variant.
Coding change: c.12053C>A on transcript NM_018406.7 (MANE Select); coding-DNA position 12053, C replaced by A.
Protein change: p.Pro4018His; replaces proline 4018 with histidine.
Molecular consequence: missense variant. On other transcripts: genic upstream transcript variant (2).
Genome position (GRCh38, 1-based): chr3:195,779,527, G>T on the plus strand (C>A on the coding strand, the complement: MUC4 is on the minus strand). VCF-style: chr3-195779527-G-T. GRCh37 (hg19) VCF-style: chr3-195506398-G-T.
Other names: c.17351C>A, p.Pro5784His (NM_001322468.1); c.83-5222C>A (NM_138297.5); c.83-1072C>A (NM_004532.6); short protein forms P4018H, P5784H.
Identifiers: ClinVar variation 3234161 (VCV003234161.20), dbSNP rs74573747, ClinGen allele CA2769053.

ClinVar aggregate classification (germline): Likely benign (1 of 4 stars; one submission).

Allele frequency attached by ClinVar (database versions not stated): ExAC 0.00116.

Submission:

CeGaT Center for Human Genetics Tuebingen
Classification: Likely benign. Last evaluated: 2024-04-01. Review status: criteria provided, single submitter. Criteria: CeGaT Center For Human Genetics Tuebingen Variant Classification Criteria Version 2. Collection method: clinical testing. Allele origin: germline. Affected: yes. Observed: 1 variant allele.
Comment: MUC4: BS2